The following is an entry in ClinVar:

NM_016263.4(FZR1):c.478C>T (p.Leu160=)

Gene: FZR1 (fizzy and cell division cycle 20 related 1; plus strand). Cytogenetic location: 19p13.3.
Variant type: single nucleotide variant.
Coding change: c.478C>T on transcript NM_016263.4 (MANE Select); coding-DNA position 478, C replaced by T.
Protein change: p.Leu160=; no amino-acid change (leucine 160 retained).
Molecular consequence: synonymous variant. On other transcripts: intron variant (1).
Genome position (GRCh38, 1-based): chr19:3,527,638, C>T. VCF-style: chr19-3527638-C-T. GRCh37 (hg19) VCF-style: chr19-3527636-C-T.
Other names: c.478C>T, p.Leu160= (NM_001136198.1); c.387+1252C>T (NM_001136197.1).
Identifiers: ClinVar variation 5005964 (VCV005005964.2).

ClinVar aggregate classification (germline): Uncertain significance (1 of 4 stars; one submission).

Conditions:
Developmental and epileptic encephalopathy 109 (DEE109). Identifiers: MedGen C5774263, MONDO:0859325, OMIM 620145.

Submission:

Juno Genomics, Hangzhou Juno Genomics, Inc
Classification: Uncertain significance for Developmental and epileptic encephalopathy 109. Review status: criteria provided, single submitter. Criteria: ACMG Guidelines, 2015. Collection method: clinical testing. Allele origin: germline.
Comment: Absent from controls (or at extremely low frequency if recessive) in Genome Aggregation Database.;Multiple lines of computational evidence support a deleterious effect on the gene or gene product.